The following is an entry in ClinVar:

NM_012418.4(FSCN2):c.412C>T (p.His138Tyr)

Gene: FSCN2 (fascin actin-bundling protein 2, retinal; plus strand). Cytogenetic location: 17q25.3.
Variant type: single nucleotide variant.
Coding change: c.412C>T on transcript NM_012418.4 (MANE Select); coding-DNA position 412, C replaced by T.
Protein change: p.His138Tyr; replaces histidine 138 with tyrosine.
Molecular consequence: missense variant.
Genome position (GRCh38, 1-based): chr17:81,528,943, C>T. VCF-style: chr17-81528943-C-T. GRCh37 (hg19) VCF-style: chr17-79495969-C-T.
Other names: c.412C>T, p.His138Tyr (NM_001077182.3); short protein forms H138Y.
Identifiers: ClinVar variation 167106 (VCV000167106.43), dbSNP rs143796236, ClinGen allele CA180070.

ClinVar aggregate classification (germline): Benign/Likely benign. Review status: criteria provided, multiple submitters, no conflicts (2 of 4 stars). 5 submissions from 5 submitters: Benign (4); Likely benign (1). Last evaluated 2026-02-01.

Allele frequency attached by ClinVar (database versions not stated): ESP Exome Variant Server 0.00575; 1000 Genomes Project 0.00160; TOPMed 0.00527; gnomAD 0.00609 and 0.00608; ExAC 0.01457; 1000 Genomes Project 30x 0.00156; gnomAD exomes 0.00714 and 0.00777.
gnomAD v4.1: 12,082 of 1,590,356 alleles (0.76%); highest among the groups gnomAD compares: Middle Eastern, 1.2%; 60 homozygotes.

Submissions (5):

Labcorp Genetics (formerly Invitae), Labcorp
Classification: Benign. Last evaluated: 2026-02-01. Review status: criteria provided, single submitter. Criteria: Invitae Variant Classification Sherloc (09022015). Collection method: clinical testing. Allele origin: germline.

CeGaT Center for Human Genetics Tuebingen
Classification: Likely benign. Last evaluated: 2023-07-01. Review status: criteria provided, single submitter. Criteria: CeGaT Center For Human Genetics Tuebingen Variant Classification Criteria Version 2. Collection method: clinical testing. Allele origin: germline. Affected: yes. Observed: 3 variant alleles.
Comment: FSCN2: BS2

Center for Pediatric Genomic Medicine, Children's Mercy Hospital and Clinics
Classification: Benign. Last evaluated: 2017-01-10. Review status: criteria provided, single submitter. Criteria: ACMG Guidelines, 2015. Collection method: clinical testing. Allele origin: germline.

Eurofins Ntd Llc (ga)
Classification: Benign. Last evaluated: 2014-01-23. Review status: criteria provided, single submitter. Criteria: EGL Classification Definitions 2015. Collection method: clinical testing. Allele origin: germline. Observed: 1 variant allele, 1 homozygote.

Breakthrough Genomics
Classification: Benign. Review status: criteria provided, single submitter. Criteria: ACMG Guidelines, 2015. Collection method: not provided. Allele origin: germline. Inheritance: Unknown mechanism. Affected: yes.